The following is an entry in ClinVar:

ClinVar aggregate classification (germline): Uncertain significance (1 of 4 stars; one submission).

Conditions:
Episodic kinesigenic dyskinesia (EKD). Also called: Paroxysmal kinesigenic dyskinesia. Identifiers: Orphanet 98809, MedGen C1868682, MONDO:0044202.

Submission:

Labcorp Genetics (formerly Invitae), Labcorp
Classification: Uncertain significance for Episodic kinesigenic dyskinesia. Last evaluated: 2023-09-22. Review status: criteria provided, single submitter. Criteria: Invitae Variant Classification Sherloc (09022015). Collection method: clinical testing. Allele origin: germline.
Comment: This variant has not been reported in the literature in individuals affected with PRRT2-related conditions. In summary, the available evidence is currently insufficient to determine the role of this variant in disease. Therefore, it has been classified as a Variant of Uncertain Significance. Advanced modeling of protein sequence and biophysical properties (such as structural, functional, and spatial information, amino acid conservation, physicochemical variation, residue mobility, and thermodynamic stability) performed at Invitae indicates that this missense variant is not expected to disrupt PRRT2 protein function. This variant is present in population databases (no rsID available, gnomAD 0.003%). This sequence change replaces proline, which is neutral and non-polar, with threonine, which is neutral and polar, at codon 140 of the PRRT2 protein (p.Pro140Thr).

NM_145239.3(PRRT2):c.418C>A (p.Pro140Thr)

Genes: MVP-DT (MVP divergent transcript; minus strand), PRRT2 (proline rich transmembrane protein 2; plus strand). Cytogenetic location: 16p11.2.
Variant type: single nucleotide variant.
Coding change: c.418C>A on transcript NM_145239.3 (MANE Select); coding-DNA position 418, C replaced by A.
Protein change: p.Pro140Thr; replaces proline 140 with threonine.
Molecular consequence: missense variant.
Genome position (GRCh38, 1-based): chr16:29,813,472, C>A. VCF-style: chr16-29813472-C-A. GRCh37 (hg19) VCF-style: chr16-29824793-C-A.
Other names: c.418C>A, p.Pro140Thr (NM_001256442.2, NM_001256443.2); short protein forms P140T.
Identifiers: ClinVar variation 2755250 (VCV002755250.3), dbSNP rs1365777114, ClinGen allele CA395478596.